The following is an entry in ClinVar:

NM_213655.5(WNK1):c.2608C>A (p.Leu870Ile)

Gene: WNK1 (WNK lysine deficient protein kinase 1; plus strand). Cytogenetic location: 12p13.33.
Variant type: single nucleotide variant.
Coding change: c.2608C>A on transcript NM_213655.5 (MANE Plus Clinical); coding-DNA position 2608, C replaced by A.
Protein change: p.Leu870Ile; replaces leucine 870 with isoleucine.
Molecular consequence: missense variant. On other transcripts: intron variant (2).
Genome position (GRCh38, 1-based): chr12:868,079, C>A. VCF-style: chr12-868079-C-A. GRCh37 (hg19) VCF-style: chr12-977245-C-A.
Other names: c.2353C>A, p.Leu785Ile (NM_001184985.2); c.2140-3186C>A (NM_018979.4, NM_014823.3); short protein forms L870I, L785I.
Identifiers: ClinVar variation 373468 (VCV000373468.12), dbSNP rs762647323, ClinGen allele CA6382214.

ClinVar aggregate classification (germline): Uncertain significance. Review status: criteria provided, multiple submitters, no conflicts (2 of 4 stars). 3 submissions from 3 submitters: Uncertain significance (3). Last evaluated 2024-08-21.

Conditions:
Inborn genetic diseases. Identifiers: MedGen C0950123, MeSH D030342.
Neuropathy, hereditary sensory and autonomic, type 2A (HSAN2A). Also called: ACROOSTEOLYSIS, GIACCAI TYPE; ACROOSTEOLYSIS, NEUROGENIC; MORVAN DISEASE; NEUROPATHY, CONGENITAL SENSORY; NEUROPATHY, HEREDITARY SENSORY RADICULAR, AUTOSOMAL RECESSIVE; NEUROPATHY, HEREDITARY SENSORY, TYPE IIA. Identifiers: Orphanet 970, MedGen C2752089, MONDO:0024309, OMIM 201300.
Pseudohypoaldosteronism type 2C (PHA2C). Also called: Pseudohypoaldosteronism Type IIC. Identifiers: Orphanet 757, Orphanet 88940, MedGen C1840391, MONDO:0013778, OMIM 614492.

Allele frequency attached by ClinVar (database versions not stated): gnomAD 0.00001; TOPMed 0.00001; ExAC 0.00002; gnomAD exomes 0.00002 and 0.00003.
gnomAD v4.1: 19 of 1,613,902 alleles (0.0012%); highest among the groups gnomAD compares: Non-Finnish European, 0.0015%; no homozygotes.

Submissions (3):

Labcorp Genetics (formerly Invitae), Labcorp
Classification: Uncertain significance for Neuropathy, hereditary sensory and autonomic, type 2A; Pseudohypoaldosteronism type 2C. Last evaluated: 2024-08-21. Review status: criteria provided, single submitter. Criteria: Invitae Variant Classification Sherloc (09022015). Collection method: clinical testing. Allele origin: germline.
Comment: This sequence change replaces leucine, which is neutral and non-polar, with isoleucine, which is neutral and non-polar, at codon 870 of the WNK1 protein (p.Leu870Ile). This variant is present in population databases (rs762647323, gnomAD 0.004%). This variant has not been reported in the literature in individuals affected with WNK1-related conditions. ClinVar contains an entry for this variant (Variation ID: 373468). Invitae Evidence Modeling of protein sequence and biophysical properties (such as structural, functional, and spatial information, amino acid conservation, physicochemical variation, residue mobility, and thermodynamic stability) indicates that this missense variant is not expected to disrupt WNK1 protein function with a negative predictive value of 95%. In summary, the available evidence is currently insufficient to determine the role of this variant in disease. Therefore, it has been classified as a Variant of Uncertain Significance.

Ambry Genetics
Classification: Uncertain significance for Inborn genetic diseases. Last evaluated: 2022-07-08. Review status: criteria provided, single submitter. Criteria: Ambry Variant Classification Scheme 2023. Collection method: clinical testing. Allele origin: germline.
Comment: The p.L870I variant (also known as c.2608C>A), located in coding exon 10 of the WNK1 gene, results from a C to A substitution at nucleotide position 2608. The leucine at codon 870 is replaced by isoleucine, an amino acid with highly similar properties. This amino acid position is not well conserved in available vertebrate species. In addition, this alteration is predicted to be tolerated by in silico analysis. Since supporting evidence is limited at this time, the clinical significance of this alteration remains unclear.

GeneDx
Classification: Uncertain significance. Last evaluated: 2016-11-23. Review status: criteria provided, single submitter. Criteria: GeneDx Variant Classification (06012015). Collection method: clinical testing. Allele origin: germline. Affected: yes.
Comment: A variant of uncertain significance has been identified in the WNK1 gene. The L870I variant has not been published as a pathogenic variant, nor has it been reported as a benign variant to our knowledge. It was not observed in approximately 6,100 individuals of European and African American ancestry in the NHLBI Exome Sequencing Project, indicating it is not a common benign variant in these populations. The L870I variant is a conservative amino acid substitution, which is not likely to impact secondary protein structure as these residues share similar properties. This substitution occurs at a position that is not conserved. However, in silico analysis is inconsistent in its predictions as to whether or not the variant is damaging to the protein structure/function. Therefore, based on the currently available information, it is unclear whether this variant is a pathogenic variant or a rare benign variant.